The following is an entry in ClinVar:

ClinVar aggregate classification (germline): Uncertain significance. Review status: criteria provided, multiple submitters, no conflicts (2 of 4 stars). 2 submissions from 2 submitters: Uncertain significance (2). Last evaluated 2025-02-22.

Conditions:
Inborn genetic diseases. Identifiers: MedGen C0950123, MeSH D030342.
Lethal multiple pterygium syndrome (LMPS). Identifiers: Orphanet 33108, MedGen C1854678, MONDO:0009668, OMIM 253290.

Allele frequency attached by ClinVar (database versions not stated): gnomAD exomes below 0.00001; ExAC 0.00002; gnomAD 0.00002 and 0.00003; TOPMed 0.00002; 1000 Genomes Project 30x 0.00016; 1000 Genomes Project 0.00020.
gnomAD v4.1: 9 of 1,614,200 alleles (0.00056%); highest among the groups gnomAD compares: Admixed American, 0.0067%; no homozygotes.

Submissions (2):

Ambry Genetics
Classification: Uncertain significance for Inborn genetic diseases. Last evaluated: 2025-02-22. Review status: criteria provided, single submitter. Criteria: Ambry Variant Classification Scheme 2023. Collection method: clinical testing. Allele origin: germline.

Labcorp Genetics (formerly Invitae), Labcorp
Classification: Uncertain significance for Lethal multiple pterygium syndrome. Last evaluated: 2021-11-13. Review status: criteria provided, single submitter. Criteria: Invitae Variant Classification Sherloc (09022015). Collection method: clinical testing. Allele origin: germline.
Comment: In summary, the available evidence is currently insufficient to determine the role of this variant in disease. Therefore, it has been classified as a Variant of Uncertain Significance. Advanced modeling of protein sequence and biophysical properties (such as structural, functional, and spatial information, amino acid conservation, physicochemical variation, residue mobility, and thermodynamic stability) performed at Invitae indicates that this missense variant is not expected to disrupt CHRNA1 protein function. ClinVar contains an entry for this variant (Variation ID: 1000695). This variant has not been reported in the literature in individuals affected with CHRNA1-related conditions. This variant is present in population databases (rs202090282, gnomAD 0.003%). This sequence change replaces lysine, which is basic and polar, with glutamine, which is neutral and polar, at codon 388 of the CHRNA1 protein (p.Lys388Gln).

NM_000079.4(CHRNA1):c.1162A>C (p.Lys388Gln)

Gene: CHRNA1 (cholinergic receptor nicotinic alpha 1 subunit; minus strand). Cytogenetic location: 2q31.1.
Variant type: single nucleotide variant.
Coding change: c.1162A>C on transcript NM_000079.4 (MANE Select); coding-DNA position 1162, A replaced by C.
Protein change: p.Lys388Gln; replaces lysine 388 with glutamine.
Molecular consequence: missense variant.
Genome position (GRCh38, 1-based): chr2:174,748,660, T>G on the plus strand (A>C on the coding strand, the complement: CHRNA1 is on the minus strand). VCF-style: chr2-174748660-T-G. GRCh37 (hg19) VCF-style: chr2-175613388-T-G.
Other names: c.1162A>C (NM_000079.3); c.1237A>C, p.Lys413Gln (NM_001039523.3); short protein forms K388Q, K413Q.
Identifiers: ClinVar variation 1000695 (VCV001000695.8), dbSNP rs202090282, ClinGen allele CA1974355.